The following is an entry in ClinVar:

ClinVar aggregate classification (germline): Pathogenic (1 of 4 stars; one submission).

Submission:

Labcorp Genetics (formerly Invitae), Labcorp
Classification: Pathogenic. Last evaluated: 2025-11-16. Review status: criteria provided, single submitter. Criteria: Invitae Variant Classification Sherloc (09022015). Collection method: clinical testing. Allele origin: germline.
Comment: This sequence change creates a premature translational stop signal (p.Arg425Serfs*21) in the CYP19A1 gene. While this is not anticipated to result in nonsense mediated decay, it is expected to disrupt the last 79 amino acid(s) of the CYP19A1 protein. This variant is not present in population databases (gnomAD no frequency). This variant has not been reported in the literature in individuals affected with CYP19A1-related conditions. This variant disrupts a region of the CYP19A1 protein in which other variant(s) (p.Arg435Cys) have been determined to be pathogenic (PMID: 8265607, 17164303, 23329769, 27256151). This suggests that this is a clinically significant region of the protein, and that variants that disrupt it are likely to be disease-causing. For these reasons, this variant has been classified as Pathogenic.

Literature cited by the submitters: PubMed 8265607; PubMed 17164303; PubMed 23329769; PubMed 27256151.

NM_000103.4(CYP19A1):c.1275del (p.Arg425fs)

Genes: CYP19A1 (cytochrome P450 family 19 subfamily A member 1; minus strand), MIR4713HG (MIR4713 host gene; plus strand), PIRC66 (piwi-interacting RNA cluster 66; plus strand). Cytogenetic location: 15q21.2.
Variant type: Deletion.
Coding change: c.1275del on transcript NM_000103.4 (MANE Select); coding-DNA position 1275, one base deleted (G; older notation c.1275delG).
Protein change: p.Arg425fs; shifts the reading frame from arginine 425.
Molecular consequence: frameshift variant.
Genome position (GRCh38, 1-based): chr15:51,211,045, C deleted on the plus strand (G on the coding strand, the reverse complement: CYP19A1 is on the minus strand); the first of 2 consecutive C bases (chr15:51,211,045-51,211,046); deleting either gives the same sequence. VCF-style (leftmost placement, unchanged base first): chr15-51211044-AC-A. GRCh37 (hg19) VCF-style: chr15-51503241-AC-A.
Other names: c.1275del, p.Arg425fs (NM_001347248.1, NM_001347249.2, NM_001347250.2 and 7 more transcripts); short protein forms R425fs.
Identifiers: ClinVar variation 4731326 (VCV004731326.1).